The following is an entry in ClinVar:

ClinVar aggregate classification (germline): Pathogenic. Review status: reviewed by expert panel (3 of 4 stars). 9 submissions from 9 submitters: Pathogenic (1). 8 of the submissions do not count toward it. Last evaluated 2016-09-08.

Conditions:
Hereditary cancer-predisposing syndrome. Also called: Hereditary Cancer Syndrome; Hereditary neoplastic syndrome; Neoplastic Syndromes, Hereditary; Tumor predisposition. Identifiers: Orphanet 140162, MedGen C0027672, MeSH D009386, MONDO:0015356.
Breast carcinoma. Also called: Carcinoma of breast. Identifiers: MedGen C0678222, MONDO:0004989, HP:0003002.
Breast-ovarian cancer, familial, susceptibility to, 1 (BROVCA1). Also called: BRCA1 Hereditary Breast and Ovarian Cancer; OVARIAN CANCER, SUSCEPTIBILITY TO. Identifiers: Orphanet 145, MedGen C2676676, MONDO:0011450, OMIM 604370. Disease mechanism: loss of function.
Hereditary breast ovarian cancer syndrome. Also called: BRCA1- and BRCA2-Associated Hereditary Breast and Ovarian Cancer; Hereditary breast and ovarian cancer syndrome; Hereditary breast and ovarian cancer syndrome (HBOC); Breast and ovarian cancer; Hereditary breast and/or ovarian cancer syndrome; Hereditary breast and ovarian cancer. Identifiers: Orphanet 145, MedGen C0677776, MeSH D061325, MONDO:0003582. Disease mechanism: loss of function.

Submissions (9):

Evidence-based Network for the Interpretation of Germline Mutant Alleles (ENIGMA)
Classification: Pathogenic for Breast-ovarian cancer, familial, susceptibility to, 1. Last evaluated: 2016-09-08. Review status: reviewed by expert panel. Criteria: ENIGMA BRCA1/2 Classification Criteria (2015). Collection method: curation. Allele origin: germline.
Comment: Variant allele predicted to encode a truncated non-functional protein.

Labcorp Genetics (formerly Invitae), Labcorp
Classification: Pathogenic for Hereditary breast ovarian cancer syndrome. Last evaluated: 2024-11-29. Review status: criteria provided, single submitter. Criteria: Invitae Variant Classification Sherloc (09022015). Collection method: clinical testing. Allele origin: germline. Not counted in ClinVar's aggregate classification.
Comment: This sequence change creates a premature translational stop signal (p.Lys711Valfs*6) in the BRCA1 gene. It is expected to result in an absent or disrupted protein product. Loss-of-function variants in BRCA1 are known to be pathogenic (PMID: 20104584). This variant is not present in population databases (gnomAD no frequency). This premature translational stop signal has been observed in individual(s) with high risk of breast and/or ovarian cancer (PMID: 29446198). ClinVar contains an entry for this variant (Variation ID: 91577). For these reasons, this variant has been classified as Pathogenic.

Ambry Genetics
Classification: Pathogenic for Hereditary cancer-predisposing syndrome. Last evaluated: 2024-03-12. Review status: criteria provided, single submitter. Criteria: Ambry Variant Classification Scheme 2023. Collection method: clinical testing. Allele origin: germline. Not counted in ClinVar's aggregate classification.
Comment: The c.2131_2132delAA (p.K711Vfs*6) alteration, located in exon 10 (coding exon 9) of the BRCA1 gene, consists of a deletion of 2 nucleotides from position 2131 to 2132, causing a translational frameshift with a predicted alternate stop codon after 6 amino acids. This alteration is expected to result in loss of function by premature protein truncation or nonsense-mediated mRNA decay. This variant was not reported in population-based cohorts in the Genome Aggregation Database (gnomAD). This alteration was observed in 1 of 603 Turkish patients undergoing BRCA1/2 genetic testing due to their diagnosis of breast cancer (Cecener, 2020). This alteration was also seen in 1/732 breast cancer patients, 0/189 colorectal cancer patients and 0/490 cancer-free elderly controls in a Turkish population (Akcay, 2021). Based on the available evidence, this alteration is classified as pathogenic.

GeneDx
Classification: Pathogenic. Last evaluated: 2023-03-02. Review status: criteria provided, single submitter. Criteria: GeneDx Variant Classification Process June 2021. Collection method: clinical testing. Allele origin: germline. Affected: yes. Not counted in ClinVar's aggregate classification.
Comment: Frameshift variant predicted to result in protein truncation or nonsense mediated decay in a gene for which loss of function is a known mechanism of disease; Truncating variants in this gene are considered pathogenic by a well-established clinical consortium and/or database; Observed in individuals with a personal or family history consistent with pathogenic variants in this gene (Lilyquist et al., 2017; Rebbeck et al., 2018; Akcay et al., 2020); Not observed at significant frequency in large population cohorts (gnomAD); Also known as 2250_2252del; This variant is associated with the following publications: (PMID: 31706072, 28888541, 28152038, 29446198, 31853058, 32658311)

Color Diagnostics, LLC DBA Color Health
Classification: Pathogenic for Hereditary cancer-predisposing syndrome. Last evaluated: 2020-12-29. Review status: criteria provided, single submitter. Criteria: ACMG Guidelines, 2015. Collection method: clinical testing. Allele origin: germline. Not counted in ClinVar's aggregate classification.
Comment: This variant deletes 2 nucleotides in exon 10 of the BRCA1 gene, creating a frameshift and premature translation stop signal. This variant is expected to result in an absent or non-functional protein product. To our knowledge, functional studies have not been reported for this variant. This variant has been observed in one individual each affected with ovarian cancer (PMID: 28888541) and breast cancer (PMID: 31706072) and a suspected hereditary breast and ovarian cancer family (PMID: 29446198). This variant has not been identified in the general population by the Genome Aggregation Database (gnomAD). Loss of BRCA1 function is a known mechanism of disease. Based on the available evidence, this variant is classified as Pathogenic.

Consortium of Investigators of Modifiers of BRCA1/2 (CIMBA), c/o University of Cambridge
Classification: Pathogenic for Breast-ovarian cancer, familial, susceptibility to, 1. Last evaluated: 2015-10-02. Review status: criteria provided, single submitter. Criteria: CIMBA Mutation Classification guidelines May 2016. Collection method: clinical testing. Allele origin: germline. Not counted in ClinVar's aggregate classification.

Medical Genetics Laboratory, Umraniye Training and Research Hospital, University of Health Sciences
Classification: Pathogenic for Breast carcinoma. Last evaluated: 2021-08-10. Review status: no assertion criteria provided. Collection method: clinical testing. Allele origin: germline. Inheritance: Autosomal dominant inheritance. Affected: yes. Observed: 1 variant allele, 1 heterozygote. Not counted in ClinVar's aggregate classification.
Comment: Pathology: Invasive breast Carcinoma ER: 0 , PR: 0 , HER2: 0, KI67: -

Research Molecular Genetics Laboratory, Women's College Hospital, University of Toronto
Classification: Pathogenic for Hereditary breast ovarian cancer syndrome. Last evaluated: 2014-01-31. Review status: no assertion criteria provided. Collection method: research. Allele origin: germline. Affected: yes. Study: The Canadian Open Genetics Repository (COGR). Not counted in ClinVar's aggregate classification.

Sharing Clinical Reports Project (SCRP)
Classification: Pathogenic for Breast-ovarian cancer, familial 1. Last evaluated: 2009-06-09. Review status: no assertion criteria provided. Collection method: clinical testing. Allele origin: germline. Not counted in ClinVar's aggregate classification.

Literature cited by the submitters: PubMed 20104584 (cited by Labcorp Genetics (formerly Invitae), Labcorp); PubMed 29446198 (cited by Labcorp Genetics (formerly Invitae), Labcorp); PubMed 31706072 (cited by Ambry Genetics); PubMed 32658311 (cited by Ambry Genetics).

NM_007294.4(BRCA1):c.2131_2132del (p.Lys711fs)

Gene: BRCA1 (BRCA1 DNA repair associated; minus strand). Cytogenetic location: 17q21.31.
Variant type: Deletion.
Coding change: c.2131_2132del on transcript NM_007294.4 (MANE Select); coding-DNA positions 2131 to 2132, 2 bases deleted (AA; older notation c.2131_2132delAA).
Protein change: p.Lys711fs; shifts the reading frame from lysine 711.
Molecular consequence: frameshift variant. On other transcripts: intron variant (137).
Genome position (GRCh38, 1-based): chr17:43,093,399-43,093,400, TT deleted on the plus strand (AA on the coding strand, the reverse complement: BRCA1 is on the minus strand). VCF-style (leftmost placement, unchanged base first): chr17-43093398-CTT-C. GRCh37 (hg19) VCF-style: chr17-41245415-CTT-C.
Other names: 2250delAA; c.2128_2129del, p.Lys710fs (NM_001407633.1, NM_001407634.1, NM_001407635.1 and 22 more transcripts); c.2131_2132del, p.Lys711fs (NM_001407639.1, NM_001407640.1, NM_001407641.1 and 30 more transcripts); c.2053_2054del, p.Lys685fs (NM_001407654.1, NM_001407655.1, NM_001407656.1 and 4 more transcripts); c.2050_2051del, p.Lys684fs (NM_001407659.1, NM_001407660.1, NM_001407661.1 and 1 more transcripts); c.2005_2006del, p.Lys669fs (NM_001407672.1, NM_001407673.1, NM_001407690.1 and 11 more transcripts); c.2008_2009del, p.Lys670fs (NM_001407674.1, NM_001407675.1, NM_001407676.1 and 19 more transcripts); c.1990_1991del, p.Lys664fs (NM_001407692.1, NM_001407694.1, NM_001407695.1 and 29 more transcripts); and 43 more; short protein forms K711fs, K664fs, K543fs, K599fs, K623fs, K640fs, K643fs, K415fs.
Identifiers: ClinVar variation 91577 (VCV000091577.22), dbSNP rs398122653, ClinGen allele CA001425.